The following is an entry in ClinVar:

NM_031866.3(FZD8):c.1725C>T (p.Pro575=)

Gene: FZD8 (frizzled class receptor 8; minus strand). Cytogenetic location: 10p11.21.
Variant type: single nucleotide variant.
Coding change: c.1725C>T on transcript NM_031866.3 (MANE Select); coding-DNA position 1725, C replaced by T.
Protein change: p.Pro575=; no amino-acid change (proline 575 retained).
Molecular consequence: synonymous variant.
Genome position (GRCh38, 1-based): chr10:35,639,705, G>A on the plus strand (C>T on the coding strand, the complement: FZD8 is on the minus strand). VCF-style: chr10-35639705-G-A. GRCh37 (hg19) VCF-style: chr10-35928633-G-A.
Identifiers: ClinVar variation 2640408 (VCV002640408.24), dbSNP rs61754569, ClinGen allele CA5470211.

ClinVar aggregate classification (germline): Likely benign (1 of 4 stars; one submission).

Allele frequency attached by ClinVar (database versions not stated): 1000 Genomes Project 0.00120; 1000 Genomes Project 30x 0.00125; gnomAD 0.00163; TOPMed 0.00185; ExAC 0.00189; ESP Exome Variant Server 0.00247.
gnomAD v4.1: 2,451 of 1,599,650 alleles (0.15%); highest among the groups gnomAD compares: Middle Eastern, 1.1%; 10 homozygotes.

Submission:

CeGaT Center for Human Genetics Tuebingen
Classification: Likely benign. Last evaluated: 2022-10-01. Review status: criteria provided, single submitter. Criteria: CeGaT Center For Human Genetics Tuebingen Variant Classification Criteria Version 2. Collection method: clinical testing. Allele origin: germline. Affected: yes. Observed: 1 variant allele.
Comment: FZD8: BP4, BP7